The following is an entry in ClinVar:

NM_152564.5(VPS13B):c.9742+5G>A

Gene: VPS13B (vacuolar protein sorting 13 homolog B; plus strand). Cytogenetic location: 8q22.2.
Variant type: single nucleotide variant.
Coding change: c.9742+5G>A on transcript NM_152564.5 (MANE Select); 5 bases into the intron after coding-DNA position 9742, G replaced by A.
Molecular consequence: intron variant.
Genome position (GRCh38, 1-based): chr8:99,835,329, G>A. VCF-style: chr8-99835329-G-A. GRCh37 (hg19) VCF-style: chr8-100847557-G-A.
Other names: c.9817+5G>A (NM_017890.5).
Identifiers: ClinVar variation 1980833 (VCV001980833.2), dbSNP rs752394744, ClinGen allele CA2580079310.
Genomic context (GRCh38, chr8:99,835,329, plus strand): 5'-AGTAATTATCCACAATAGATGTCCAGTAAAAATGCTTATAAAGGAAAACATTAAAGGTAT[G>A]TTTTATACTATCGAATTTAGATAATACTAAATGTGTATTTTTTCTGGGATTTTTTGATTT-3'

ClinVar aggregate classification (germline): Uncertain significance (1 of 4 stars; one submission).

Conditions:
Cohen syndrome (COH1). Also called: Cutis verticis gyrata, retinitis pigmentosa, and sensorineural deafness; PEPPER SYNDROME. Identifiers: Orphanet 193, MedGen C0265223, MONDO:0008999, OMIM 216550.

gnomAD v4.1: 1 of 1,608,468 alleles (0.000062%); highest among the groups gnomAD compares: South Asian, 0.0011%; no homozygotes.

Submission:

Labcorp Genetics (formerly Invitae), Labcorp
Classification: Uncertain significance for Cohen syndrome. Last evaluated: 2022-07-26. Review status: criteria provided, single submitter. Criteria: Invitae Variant Classification Sherloc (09022015). Collection method: clinical testing. Allele origin: germline.
Comment: In summary, the available evidence is currently insufficient to determine the role of this variant in disease. Therefore, it has been classified as a Variant of Uncertain Significance. Variants that disrupt the consensus splice site are a relatively common cause of aberrant splicing (PMID: 17576681, 9536098). Algorithms developed to predict the effect of sequence changes on RNA splicing suggest that this variant is not likely to affect RNA splicing. This variant has not been reported in the literature in individuals affected with VPS13B-related conditions. This variant is not present in population databases (gnomAD no frequency). This sequence change falls in intron 53 of the VPS13B gene. It does not directly change the encoded amino acid sequence of the VPS13B protein. It affects a nucleotide within the consensus splice site.

Literature cited by the submitters: PubMed 17576681; PubMed 9536098.